The following is an entry in ClinVar:

ClinVar aggregate classification (germline): Uncertain significance (1 of 4 stars; one submission).

gnomAD v4.1: 1 of 1,614,074 alleles (0.000062%); highest among the groups gnomAD compares: African/African-American, 0.0013%; no homozygotes.

Submission:

Labcorp Genetics (formerly Invitae), Labcorp
Classification: Uncertain significance. Last evaluated: 2023-11-01. Review status: criteria provided, single submitter. Criteria: Invitae Variant Classification Sherloc (09022015). Collection method: clinical testing. Allele origin: germline.
Comment: This sequence change replaces alanine, which is neutral and non-polar, with glycine, which is neutral and non-polar, at codon 601 of the ROR2 protein (p.Ala601Gly). This variant is not present in population databases (gnomAD no frequency). This variant has not been reported in the literature in individuals affected with ROR2-related conditions. Advanced modeling of protein sequence and biophysical properties (such as structural, functional, and spatial information, amino acid conservation, physicochemical variation, residue mobility, and thermodynamic stability) has been performed at Invitae for this missense variant, however the output from this modeling did not meet the statistical confidence thresholds required to predict the impact of this variant on ROR2 protein function. In summary, the available evidence is currently insufficient to determine the role of this variant in disease. Therefore, it has been classified as a Variant of Uncertain Significance.

NM_004560.4(ROR2):c.1802C>G (p.Ala601Gly)

Gene: ROR2 (receptor tyrosine kinase like orphan receptor 2; minus strand). Cytogenetic location: 9q22.31.
Variant type: single nucleotide variant.
Coding change: c.1802C>G on transcript NM_004560.4 (MANE Select); coding-DNA position 1802, C replaced by G.
Protein change: p.Ala601Gly; replaces alanine 601 with glycine.
Molecular consequence: missense variant.
Genome position (GRCh38, 1-based): chr9:91,724,692, G>C on the plus strand (C>G on the coding strand, the complement: ROR2 is on the minus strand). VCF-style: chr9-91724692-G-C. GRCh37 (hg19) VCF-style: chr9-94486974-G-C.
Other names: short protein forms A601G.
Identifiers: ClinVar variation 2998569 (VCV002998569.3), dbSNP rs751398670, ClinGen allele CA373797436.
Genomic context (GRCh38, chr9:91,724,692, plus strand): 5'-ACATTGCGGGTGGCCAGGTCCTTGTGAACCACGTGGTGGCTGGATAGGTACTCCATCCCC[G>C]CCGCGATCTGTGCCACAAGGTGCACGAAGTCGGGGGGCTCCAGGGCGGACTTCACCGTGC-3'
Protein context (NP_004551.2, residues 591-611): DFVHLVAQIA[Ala601Gly]GMEYLSSHHV